The following is an entry in ClinVar:

NM_005251.3(FOXC2):c.668C>T (p.Pro223Leu)

Gene: FOXC2 (forkhead box C2; plus strand). Cytogenetic location: 16q24.1.
Variant type: single nucleotide variant.
Coding change: c.668C>T on transcript NM_005251.3 (MANE Select); coding-DNA position 668, C replaced by T.
Protein change: p.Pro223Leu; replaces proline 223 with leucine.
Molecular consequence: missense variant.
Genome position (GRCh38, 1-based): chr16:86,568,003, C>T. VCF-style: chr16-86568003-C-T. GRCh37 (hg19) VCF-style: chr16-86601609-C-T.
Other names: short protein forms P223L.
Identifiers: ClinVar variation 2792839 (VCV002792839.3), dbSNP rs1435098450, ClinGen allele CA397008089.

ClinVar aggregate classification (germline): Uncertain significance (1 of 4 stars; one submission).

Allele frequency attached by ClinVar (database versions not stated): TOPMed below 0.00001; gnomAD 0.00001.

Submission:

Labcorp Genetics (formerly Invitae), Labcorp
Classification: Uncertain significance. Last evaluated: 2025-06-12. Review status: criteria provided, single submitter. Criteria: Invitae Variant Classification Sherloc (09022015). Collection method: clinical testing. Allele origin: germline.
Comment: This sequence change replaces proline, which is neutral and non-polar, with leucine, which is neutral and non-polar, at codon 223 of the FOXC2 protein (p.Pro223Leu). The frequency data for this variant in the population databases is considered unreliable, as metrics indicate poor data quality at this position in the gnomAD database. This variant has not been reported in the literature in individuals affected with FOXC2-related conditions. ClinVar contains an entry for this variant (Variation ID: 2792839). An algorithm developed to predict the effect of missense changes on protein structure and function (PolyPhen-2) suggests that this variant is likely to be disruptive. In summary, the available evidence is currently insufficient to determine the role of this variant in disease. Therefore, it has been classified as a Variant of Uncertain Significance.